The following is an entry in ClinVar:

ClinVar aggregate classification (germline): Uncertain significance (1 of 4 stars; one submission).

Allele frequency attached by ClinVar (database versions not stated): gnomAD exomes below 0.00001; gnomAD 0.00001; TOPMed 0.00003.
gnomAD v4.1: 4 of 1,613,878 alleles (0.00025%); highest among the groups gnomAD compares: Admixed American, 0.0033%; no homozygotes.

Submission:

Labcorp Genetics (formerly Invitae), Labcorp
Classification: Uncertain significance. Last evaluated: 2025-02-03. Review status: criteria provided, single submitter. Criteria: Invitae Variant Classification Sherloc (09022015). Collection method: clinical testing. Allele origin: germline.
Comment: This sequence change replaces glycine, which is neutral and non-polar, with cysteine, which is neutral and slightly polar, at codon 94 of the IKZF1 protein (p.Gly94Cys). This variant is present in population databases (no rsID available, gnomAD 0.003%). This variant has not been reported in the literature in individuals affected with IKZF1-related conditions. ClinVar contains an entry for this variant (Variation ID: 2110098). An algorithm developed to predict the effect of missense changes on protein structure and function (PolyPhen-2) suggests that this variant is likely to be disruptive. In summary, the available evidence is currently insufficient to determine the role of this variant in disease. Therefore, it has been classified as a Variant of Uncertain Significance.

NM_006060.6(IKZF1):c.280G>T (p.Gly94Cys)

Gene: IKZF1 (IKAROS family zinc finger 1; plus strand). Cytogenetic location: 7p12.2.
Variant type: single nucleotide variant.
Coding change: c.280G>T on transcript NM_006060.6 (MANE Select); coding-DNA position 280, G replaced by T.
Protein change: p.Gly94Cys; replaces glycine 94 with cysteine.
Molecular consequence: missense variant. On other transcripts: intron variant (9).
Genome position (GRCh38, 1-based): chr7:50,376,652, G>T. VCF-style: chr7-50376652-G-T. GRCh37 (hg19) VCF-style: chr7-50444350-G-T.
Other names: c.280G>T, p.Gly94Cys (NM_001220765.3, NM_001220768.2, NM_001220771.2 and 1 more transcripts); c.340G>T, p.Gly114Cys (NM_001410879.1); c.161-5888G>T (NM_001291839.2, NM_001291838.2, NM_001220767.2 and 1 more transcripts); c.161-10693G>T (NM_001291841.1, NM_001291842.1); c.161-15077G>T (NM_001291843.1, NM_001291844.1); c.161-23266G>T (NM_001291840.1); short protein forms G114C, G94C.
Identifiers: ClinVar variation 2110098 (VCV002110098.4), dbSNP rs942938472, ClinGen allele CA158212921.